The following is an entry in ClinVar:

NM_003672.4(CDC14A):c.957C>T (p.Pro319=)

Gene: CDC14A (cell division cycle 14A; plus strand). Cytogenetic location: 1p21.2.
Variant type: single nucleotide variant.
Coding change: c.957C>T on transcript NM_003672.4 (MANE Select); coding-DNA position 957, C replaced by T.
Protein change: p.Pro319=; no amino-acid change (proline 319 retained).
Molecular consequence: synonymous variant.
Genome position (GRCh38, 1-based): chr1:100,468,074, C>T. VCF-style: chr1-100468074-C-T. GRCh37 (hg19) VCF-style: chr1-100933630-C-T.
Other names: c.957C>T (NM_033312.2); c.957C>T, p.Pro319= (NM_001319210.2, NM_033312.3, NM_033313.3); c.783C>T, p.Pro261= (NM_001319211.2); c.78C>T, p.Pro26= (NM_001319212.2).
Identifiers: ClinVar variation 1217816 (VCV001217816.11), dbSNP rs554166560, ClinGen allele CA970742.

ClinVar aggregate classification (germline): Benign/Likely benign. Review status: criteria provided, multiple submitters, no conflicts (2 of 4 stars). 4 submissions from 4 submitters: Benign (1); Likely benign (2). 1 of the submissions does not count toward it. Last evaluated 2024-06-17.

Conditions:
CDC14A-related disorder. Also called: CDC14A-related condition.

Allele frequency attached by ClinVar (database versions not stated): TOPMed 0.00003; gnomAD 0.00019; gnomAD exomes 0.00049; ExAC 0.00052; 1000 Genomes Project 0.00140; 1000 Genomes Project 30x 0.00141.
gnomAD v4.1: 367 of 1,613,660 alleles (0.023%); highest among the groups gnomAD compares: South Asian, 0.39%; 4 homozygotes.

Submissions (4):

Blueprint Genetics
Classification: Likely benign. Last evaluated: 2024-06-17. Review status: criteria provided, single submitter. Criteria: ACMG Guidelines, 2015. Collection method: clinical testing. Allele origin: germline.

Labcorp Genetics (formerly Invitae), Labcorp
Classification: Benign. Last evaluated: 2022-06-26. Review status: criteria provided, single submitter. Criteria: Invitae Variant Classification Sherloc (09022015). Collection method: clinical testing. Allele origin: germline.

GeneDx
Classification: Likely benign. Last evaluated: 2020-01-16. Review status: criteria provided, single submitter. Criteria: GeneDx Variant Classification Process June 2021. Collection method: clinical testing. Allele origin: germline. Affected: yes.

PreventionGenetics, part of Exact Sciences
Classification: Likely benign for CDC14A-related condition. Last evaluated: 2019-05-10. Review status: no assertion criteria provided. Collection method: clinical testing. Allele origin: germline. Not counted in ClinVar's aggregate classification.
Comment: This variant is classified as likely benign based on ACMG/AMP sequence variant interpretation guidelines (Richards et al. 2015 PMID: 25741868, with internal and published modifications).